The following is an entry in ClinVar:

NM_000051.4(ATM):c.2139A>G (p.Glu713=)

Gene: ATM (ATM serine/threonine kinase; plus strand). Cytogenetic location: 11q22.3.
Variant type: single nucleotide variant.
Coding change: c.2139A>G on transcript NM_000051.4 (MANE Select); coding-DNA position 2139, A replaced by G.
Protein change: p.Glu713=; no amino-acid change (glutamic acid 713 retained).
Molecular consequence: synonymous variant.
Genome position (GRCh38, 1-based): chr11:108,256,229, A>G. VCF-style: chr11-108256229-A-G. GRCh37 (hg19) VCF-style: chr11-108126956-A-G.
Other names: c.2139A>G, p.Glu713= (NM_001351834.2); c.2139A>G (NM_000051.3).
Identifiers: ClinVar variation 1135426 (VCV001135426.11), dbSNP rs2080473610, ClinGen allele CA476672486.

ClinVar aggregate classification (germline): Benign/Likely benign. Review status: criteria provided, multiple submitters, no conflicts (2 of 4 stars). 3 submissions from 3 submitters: Benign (1); Likely benign (2). Last evaluated 2025-09-22.

Conditions:
Hereditary cancer-predisposing syndrome. Also called: Neoplastic Syndromes, Hereditary; Hereditary neoplastic syndrome; Tumor predisposition; Hereditary Cancer Syndrome. Identifiers: Orphanet 140162, MedGen C0027672, MeSH D009386, MONDO:0015356.
Familial cancer of breast. Also called: Hereditary breast cancer; BREAST CANCER, FAMILIAL; hereditary breast carcinoma. Identifiers: Orphanet 227535, MedGen C0346153, MONDO:0016419, OMIM 114480. Disease mechanism: loss of function.
Ataxia-telangiectasia syndrome (AT). Also called: ATAXIA-TELANGIECTASIA, COMPLEMENTATION GROUP A; Ataxia telangiectasia (A-T); Cerebello-oculocutaneous telangiectasia; Immunodeficiency with ataxia telangiectasia; ATAXIA-TELANGIECTASIA, FRESNO VARIANT; Ataxia-telangiectasia, complementation group D. Identifiers: Orphanet 100, MedGen C0004135, MONDO:0008840, OMIM 208900.

Submissions (3):

Ambry Genetics
Classification: Likely benign for Hereditary cancer-predisposing syndrome. Last evaluated: 2025-09-22. Review status: criteria provided, single submitter. Criteria: Ambry Variant Classification Scheme 2023. Collection method: clinical testing. Allele origin: germline.

Labcorp Genetics (formerly Invitae), Labcorp
Classification: Likely benign for Ataxia-telangiectasia syndrome. Last evaluated: 2024-11-11. Review status: criteria provided, single submitter. Criteria: Invitae Variant Classification Sherloc (09022015). Collection method: clinical testing. Allele origin: germline.

Myriad Genetics, Inc.
Classification: Benign for Familial cancer of breast. Last evaluated: 2024-05-07. Review status: criteria provided, single submitter. Criteria: Myriad Autosomal Dominant, Autosomal Recessive and X-Linked Classification Criteria (2023). Collection method: clinical testing. Allele origin: unknown.
Comment: This variant is considered benign. This variant is a silent/synonymous amino acid change and it is not expected to impact splicing.